The following is an entry in ClinVar:

ClinVar aggregate classification (germline): Uncertain significance. Review status: criteria provided, multiple submitters, no conflicts (2 of 4 stars). 2 submissions from 2 submitters: Uncertain significance (2). Last evaluated 2025-04-24.

Conditions:
Inborn genetic diseases. Identifiers: MedGen C0950123, MeSH D030342.

Allele frequency attached by ClinVar (database versions not stated): gnomAD exomes 0.00001; TOPMed 0.00001.
gnomAD v4.1: 3 of 1,614,106 alleles (0.00019%); highest among the groups gnomAD compares: Admixed American, 0.005%; no homozygotes.

Submissions (2):

Ambry Genetics
Classification: Uncertain significance for Inborn genetic diseases. Last evaluated: 2025-04-24. Review status: criteria provided, single submitter. Criteria: Ambry Variant Classification Scheme 2023. Collection method: clinical testing. Allele origin: germline.

Labcorp Genetics (formerly Invitae), Labcorp
Classification: Uncertain significance. Last evaluated: 2020-01-27. Review status: criteria provided, single submitter. Criteria: Invitae Variant Classification Sherloc (09022015). Collection method: clinical testing. Allele origin: germline.
Comment: In summary, the available evidence is currently insufficient to determine the role of this variant in disease. Therefore, it has been classified as a Variant of Uncertain Significance. Algorithms developed to predict the effect of missense changes on protein structure and function (SIFT, PolyPhen-2, Align-GVGD) all suggest that this variant is likely to be disruptive, but these predictions have not been confirmed by published functional studies and their clinical significance is uncertain. This variant has not been reported in the literature in individuals with COL9A1-related conditions. This variant is not present in population databases (ExAC no frequency). This sequence change replaces glutamic acid with alanine at codon 717 of the COL9A1 protein (p.Glu717Ala). The glutamic acid residue is highly conserved and there is a moderate physicochemical difference between glutamic acid and alanine.

NM_001851.6(COL9A1):c.2150A>C (p.Glu717Ala)

Gene: COL9A1 (collagen type IX alpha 1 chain; minus strand). Cytogenetic location: 6q13.
Variant type: single nucleotide variant.
Coding change: c.2150A>C on transcript NM_001851.6 (MANE Select); coding-DNA position 2150, A replaced by C.
Protein change: p.Glu717Ala; replaces glutamic acid 717 with alanine.
Molecular consequence: missense variant. On other transcripts: non-coding transcript variant (1), intron variant (1).
Genome position (GRCh38, 1-based): chr6:70,234,903, T>G on the plus strand (A>C on the coding strand, the complement: COL9A1 is on the minus strand). VCF-style: chr6-70234903-T-G. GRCh37 (hg19) VCF-style: chr6-70944606-T-G.
Other names: c.1451A>C, p.Glu484Ala (NM_001377289.1); c.1421A>C, p.Glu474Ala (NM_078485.4); c.1384-310A>C (NM_001377290.1); c.2150A>C (NM_001851.4); short protein forms E474A, E484A, E717A.
Identifiers: ClinVar variation 1025088 (VCV001025088.9), dbSNP rs955449925, ClinGen allele CA140848738.